The following is an entry in ClinVar:

ClinVar aggregate classification (germline): Conflicting classifications of pathogenicity. Review status: criteria provided, conflicting classifications (1 of 4 stars). 4 submissions from 4 submitters: Uncertain significance (3); Likely benign (1). Last evaluated 2026-01-24.

Conditions:
Hereditary cancer-predisposing syndrome. Also called: Tumor predisposition; Hereditary Cancer Syndrome; Hereditary neoplastic syndrome; Neoplastic Syndromes, Hereditary. Identifiers: Orphanet 140162, MedGen C0027672, MeSH D009386, MONDO:0015356.
Hereditary breast ovarian cancer syndrome. Also called: Hereditary breast and ovarian cancer; Breast and ovarian cancer; BRCA1- and BRCA2-Associated Hereditary Breast and Ovarian Cancer; Hereditary breast and ovarian cancer syndrome; Hereditary breast and ovarian cancer syndrome (HBOC); Hereditary breast and/or ovarian cancer syndrome. Identifiers: Orphanet 145, MedGen C0677776, MeSH D061325, MONDO:0003582. Disease mechanism: loss of function.
Breast-ovarian cancer, familial, susceptibility to, 2 (BROVCA2). Also called: BRCA2 Hereditary Breast and Ovarian Cancer. Identifiers: Orphanet 145, MedGen C2675520, MONDO:0012933, OMIM 612555. Disease mechanism: loss of function.

Allele frequency attached by ClinVar (database versions not stated): gnomAD exomes below 0.00001; ExAC 0.00001.
gnomAD v4.1: 5 of 1,612,340 alleles (0.00031%); highest among the groups gnomAD compares: East Asian, 0.011%; no homozygotes.

Submissions (4):

Labcorp Genetics (formerly Invitae), Labcorp
Classification: Uncertain significance for Hereditary breast ovarian cancer syndrome. Last evaluated: 2026-01-24. Review status: criteria provided, single submitter. Criteria: Invitae Variant Classification Sherloc (09022015). Collection method: clinical testing. Allele origin: germline.
Comment: This sequence change replaces aspartic acid, which is acidic and polar, with glycine, which is neutral and non-polar, at codon 1476 of the BRCA2 protein (p.Asp1476Gly). This variant is present in population databases (rs745425169, gnomAD 0.006%). This missense change has been observed in individual(s) with breast and/or ovarian cancer and colorectal cancer (PMID: 28591715, 29176636, 30287823). ClinVar contains an entry for this variant (Variation ID: 233785). Invitae Evidence Modeling of protein sequence and biophysical properties (such as structural, functional, and spatial information, amino acid conservation, physicochemical variation, residue mobility, and thermodynamic stability) indicates that this missense variant is not expected to disrupt BRCA2 protein function with a negative predictive value of 95%. Experimental studies have shown that this missense change does not substantially affect BRCA2 function (PMID: 37731132). In summary, the available evidence is currently insufficient to determine the role of this variant in disease. Therefore, it has been classified as a Variant of Uncertain Significance.

Ambry Genetics
Classification: Uncertain significance for Hereditary cancer-predisposing syndrome. Last evaluated: 2024-05-06. Review status: criteria provided, single submitter. Criteria: Ambry Variant Classification Scheme 2023. Collection method: clinical testing. Allele origin: germline.
Comment: The p.D1476G variant (also known as c.4427A>G), located in coding exon 10 of the BRCA2 gene, results from an A to G substitution at nucleotide position 4427. The aspartic acid at codon 1476 is replaced by glycine, an amino acid with similar properties. This alteration has also been identified in 1/7 Japanese gastric cancer patients (Ichikawa H et al. JCO Precis Oncol, 2018 Jul;2:), in 1/963 Japanese individuals who underwent BRCA1/2 testing for suspicion of hereditary breast and ovarian cancer syndrome (Arai M et al. J Hum Genet, 2018 Apr;63:447-457), and in a cohort of 805 Korean patients with ovarian, fallopian tube, or primary peritoneal cancers (Ha HI et al. J Gynecol Oncol, 2020 Nov;31:e83). This amino acid position is not well conserved in available vertebrate species. In addition, this alteration is predicted to be tolerated by in silico analysis. Based on the available evidence, the clinical significance of this variant remains unclear.

All of Us Research Program, National Institutes of Health
Classification: Uncertain significance for Breast-ovarian cancer, familial, susceptibility to, 2. Last evaluated: 2023-05-31. Review status: criteria provided, single submitter. Criteria: ACMG Guidelines, 2015. Collection method: clinical testing. Allele origin: germline. Inheritance: Autosomal dominant inheritance. Observed: 1 variant allele, 1 heterozygote.
Comment: This study involves interpretation of variants in research participants for the purpose of population health screening. Participant phenotype was not available at the time of variant classification. Additional details can be found in publication PMID: 35346344, PMCID: PMC8962531

University of Washington Department of Laboratory Medicine, University of Washington
Classification: Likely benign for Hereditary cancer-predisposing syndrome. Last evaluated: 2023-03-23. Review status: criteria provided, single submitter. Criteria: Dines et al. (Genet Med. 2020). Collection method: curation. Allele origin: germline.
Comment: Missense variant in a coldspot region where missense variants are very unlikely to be pathogenic (PMID:31911673).

BRCA2 exon 11 coldspot. Reclassification based on statistical prior probability.

Literature cited by the submitters: PubMed 28591715 (cited by Labcorp Genetics (formerly Invitae), Labcorp); PubMed 29176636 (cited by Labcorp Genetics (formerly Invitae), Labcorp and Ambry Genetics); PubMed 30287823 (cited by Labcorp Genetics (formerly Invitae), Labcorp and Ambry Genetics); PubMed 37731132 (cited by Labcorp Genetics (formerly Invitae), Labcorp); PubMed 31608315 (cited by Ambry Genetics); PubMed 33078592 (cited by Ambry Genetics).

NM_000059.4(BRCA2):c.4427A>G (p.Asp1476Gly)

Gene: BRCA2 (BRCA2 DNA repair associated; plus strand). Cytogenetic location: 13q13.1.
Variant type: single nucleotide variant.
Coding change: c.4427A>G on transcript NM_000059.4 (MANE Select); coding-DNA position 4427, A replaced by G.
Protein change: p.Asp1476Gly; replaces aspartic acid 1476 with glycine.
Molecular consequence: missense variant.
Genome position (GRCh38, 1-based): chr13:32,338,782, A>G. VCF-style: chr13-32338782-A-G. GRCh37 (hg19) VCF-style: chr13-32912919-A-G.
Other names: short protein forms D1476G.
Identifiers: ClinVar variation 233785 (VCV000233785.12), dbSNP rs745425169, ClinGen allele CA6940780.